The following is an entry in ClinVar:

ClinVar aggregate classification (germline): Likely pathogenic (1 of 4 stars; one submission).

Conditions:
Myofibrillar myopathy 6. Identifiers: Orphanet 199340, MedGen C2751831, MONDO:0013061, OMIM 612954.
Dilated cardiomyopathy 1HH (CMD1HH). Identifiers: Orphanet 154, MedGen C3151293, MONDO:0013479, OMIM 613881.

Submission:

Labcorp Genetics (formerly Invitae), Labcorp
Classification: Likely pathogenic for Dilated cardiomyopathy 1HH; Myofibrillar myopathy 6. Last evaluated: 2025-12-02. Review status: criteria provided, single submitter. Criteria: Invitae Variant Classification Sherloc (09022015). Collection method: clinical testing. Allele origin: germline.
Comment: This sequence change affects an acceptor splice site in intron 2 of the BAG3 gene. It is expected to disrupt RNA splicing. Variants that disrupt the donor or acceptor splice site typically lead to a loss of protein function (PMID: 16199547), and loss-of-function variants in BAG3 are known to be pathogenic (PMID: 21353195, 25008357). This variant is not present in population databases (gnomAD no frequency). Disruption of this splice site has been observed in individual(s) with dilated cardiomyopathy (PMID: 30442290). Algorithms developed to predict the effect of sequence changes on RNA splicing suggest that this variant may disrupt the consensus splice site. In summary, the currently available evidence indicates that the variant is pathogenic, but additional data are needed to prove that conclusively. Therefore, this variant has been classified as Likely Pathogenic.

Literature cited by the submitters: PubMed 16199547; PubMed 21353195; PubMed 25008357; PubMed 30442290.

NM_004281.4(BAG3):c.508-2A>G

Gene: BAG3 (BAG cochaperone 3; plus strand). Cytogenetic location: 10q26.11.
Variant type: single nucleotide variant.
Coding change: c.508-2A>G on transcript NM_004281.4 (MANE Select); the canonical splice acceptor site of the intron before coding-DNA position 508, A replaced by G.
Molecular consequence: splice acceptor variant.
Genome position (GRCh38, 1-based): chr10:119,672,253, A>G. VCF-style: chr10-119672253-A-G. GRCh37 (hg19) VCF-style: chr10-121431765-A-G.
Identifiers: ClinVar variation 4788961 (VCV004788961.1), dbSNP rs2134064900.